The following is an entry in ClinVar:

NM_000540.3(RYR1):c.4894C>T (p.Pro1632Ser)

Gene: RYR1 (ryanodine receptor 1; plus strand). Cytogenetic location: 19q13.2.
Variant type: single nucleotide variant.
Coding change: c.4894C>T on transcript NM_000540.3 (MANE Select); coding-DNA position 4894, C replaced by T.
Protein change: p.Pro1632Ser; replaces proline 1632 with serine.
Molecular consequence: missense variant.
Genome position (GRCh38, 1-based): chr19:38,483,476, C>T. VCF-style: chr19-38483476-C-T. GRCh37 (hg19) VCF-style: chr19-38974116-C-T.
Other names: p.Pro1632Ser; c.4894C>T, p.Pro1632Ser (NM_001042723.2); short protein forms P1632S.
Identifiers: ClinVar variation 159852 (VCV000159852.35), dbSNP rs76537615, ClinGen allele CA024469.
Genomic context (GRCh38, chr19:38,483,476, plus strand): 5'-CTGCAGGTGGAGACGAGGCGTGCCGGCGAGCGGCTGGGCTGGGCCGTGCAGTGCCAGGAG[C>T]CGCTGACCATGATGGCGCTGCACATCCCCGAGGAGAACCGGTCAGGGCCAGCCCAGCTAT-3'
Protein context (NP_000531.2, residues 1622-1642): RLGWAVQCQE[Pro1632Ser]LTMMALHIPE

ClinVar aggregate classification (germline): Conflicting classifications of pathogenicity. Review status: criteria provided, conflicting classifications (1 of 4 stars). 12 submissions from 12 submitters: Uncertain significance (1); Benign (4); Likely benign (4). 3 of the submissions do not count toward it. Last evaluated 2026-08-01.

Conditions:
RYR1-related disorder. Also called: RYR1-related disorders; RYR1-related condition. Identifiers: MedGen CN239331.
Malignant hypothermia.
Malignant hyperthermia, susceptibility to, 1 (MHS1). Also called: Malignant hyperthermia suceptibility 1; Anesthesia related hyperthermia; Malignant hyperpyrexia; Fulminating hyperpyrexia; Pharmacogenic myopathy; RYR1-Related Malignant Hyperthermia Susceptibility. Identifiers: Orphanet 423, MedGen C2930980, MONDO:0007783, OMIM 145600.

Allele frequency attached by ClinVar (database versions not stated): gnomAD exomes 0.00125; ExAC 0.00322; 1000 Genomes Project 0.00459; 1000 Genomes Project 30x 0.00468; gnomAD 0.00544 and 0.00586; ESP Exome Variant Server 0.00567; TOPMed 0.00603.
gnomAD v4.1: 1,630 of 1,562,580 alleles (0.1%); highest among the groups gnomAD compares: African/African-American, 2%; 8 homozygotes.

Submissions (12):

CeGaT Center for Human Genetics Tuebingen
Classification: Likely benign. Last evaluated: 2026-08-01. Review status: criteria provided, single submitter. Criteria: CeGaT Center For Human Genetics Tuebingen Variant Classification Criteria Version 2. Collection method: clinical testing. Allele origin: germline. Affected: yes. Observed: 4 variant alleles.
Comment: RYR1: BS1

Labcorp Genetics (formerly Invitae), Labcorp
Classification: Benign for RYR1-related disorder. Last evaluated: 2026-01-28. Review status: criteria provided, single submitter. Criteria: Invitae Variant Classification Sherloc (09022015). Collection method: clinical testing. Allele origin: germline.

Blueprint Genetics
Classification: Likely benign. Last evaluated: 2024-11-06. Review status: criteria provided, single submitter. Criteria: ACMG Guidelines, 2015. Collection method: clinical testing. Allele origin: germline.

Mayo Clinic Laboratories, Mayo Clinic
Classification: Benign. Last evaluated: 2023-12-05. Review status: criteria provided, single submitter. Criteria: ACMG Guidelines, 2015. Collection method: clinical testing. Allele origin: germline. Observed: 6 variant alleles.
Comment: BS1, BS2, PP3

Color Diagnostics, LLC DBA Color Health
Classification: Benign for Malignant hyperthermia, susceptibility to, 1. Last evaluated: 2022-08-18. Review status: criteria provided, single submitter. Criteria: ACMG Guidelines, 2015. Collection method: clinical testing. Allele origin: germline.

Athena Diagnostics
Classification: Likely benign. Last evaluated: 2019-11-04. Review status: criteria provided, single submitter. Criteria: Athena Diagnostics Criteria. Collection method: clinical testing. Allele origin: unknown.

GeneDx
Classification: Likely benign. Last evaluated: 2018-02-16. Review status: criteria provided, single submitter. Criteria: GeneDx Variant Classification (06012015). Collection method: clinical testing. Allele origin: germline. Affected: yes.
Comment: This variant is considered likely benign or benign based on one or more of the following criteria: it is a conservative change, it occurs at a poorly conserved position in the protein, it is predicted to be benign by multiple in silico algorithms, and/or has population frequency not consistent with disease.

PreventionGenetics, part of Exact Sciences
Classification: Benign. Last evaluated: 2016-08-10. Review status: criteria provided, single submitter. Criteria: ACMG Guidelines, 2015. Collection method: clinical testing. Allele origin: germline.

Genomic Diagnostic Laboratory, Division of Genomic Diagnostics, Children's Hospital of Philadelphia
Classification: Uncertain significance for Malignant hypothermia. Last evaluated: 2015-09-24. Review status: criteria provided, single submitter. Criteria: DGD Variant Analysis Guidelines. Collection method: clinical testing. Allele origin: unknown.

Genetic Services Laboratory, University of Chicago
Classification: Likely benign. Review status: no assertion criteria provided. Collection method: clinical testing. Allele origin: germline. Inheritance: Autosomal unknown. Not counted in ClinVar's aggregate classification.
Comment: Likely benign based on allele frequency in 1000 Genomes Project or ESP global frequency and its presence in a patient with a rare or unrelated disease phenotype. NOT Sanger confirmed

Joint Genome Diagnostic Labs from Nijmegen and Maastricht, Radboudumc and MUMC+
Classification: Likely benign. Review status: no assertion criteria provided. Collection method: clinical testing. Allele origin: germline. Affected: yes. Study: VKGL Data-share Consensus. Not counted in ClinVar's aggregate classification.

Laboratory of Diagnostic Genome Analysis, Leiden University Medical Center (LUMC)
Classification: Likely benign. Review status: no assertion criteria provided. Collection method: clinical testing. Allele origin: germline. Affected: yes. Study: VKGL Data-share Consensus. Not counted in ClinVar's aggregate classification.